The following is an entry in ClinVar:

ClinVar aggregate classification (germline): Uncertain significance (1 of 4 stars; one submission).

Conditions:
Neuroblastoma, susceptibility to, 3. Also called: ALK-Related Neuroblastic Tumor Susceptibility. Identifiers: Orphanet 635, MedGen C2751681, MONDO:0013083, OMIM 613014.

Allele frequency attached by ClinVar (database versions not stated): gnomAD exomes below 0.00001.
gnomAD v4.1: 1 of 1,599,576 alleles (0.000063%); highest among the groups gnomAD compares: Non-Finnish European, 0.000085%; no homozygotes.

Submission:

Labcorp Genetics (formerly Invitae), Labcorp
Classification: Uncertain significance for Neuroblastoma, susceptibility to, 3. Last evaluated: 2025-07-23. Review status: criteria provided, single submitter. Criteria: Invitae Variant Classification Sherloc (09022015). Collection method: clinical testing. Allele origin: germline.
Comment: This sequence change replaces glutamine, which is neutral and polar, with lysine, which is basic and polar, at codon 1429 of the ALK protein (p.Gln1429Lys). This variant is not present in population databases (gnomAD no frequency). This variant has not been reported in the literature in individuals affected with ALK-related conditions. ClinVar contains an entry for this variant (Variation ID: 2961404). An algorithm developed to predict the effect of missense changes on protein structure and function (PolyPhen-2) suggests that this variant is likely to be tolerated. In summary, the available evidence is currently insufficient to determine the role of this variant in disease. Therefore, it has been classified as a Variant of Uncertain Significance.

NM_004304.5(ALK):c.4285C>A (p.Gln1429Lys)

Gene: ALK (ALK receptor tyrosine kinase; minus strand). Cytogenetic location: 2p23.2.
Variant type: single nucleotide variant.
Coding change: c.4285C>A on transcript NM_004304.5 (MANE Select); coding-DNA position 4285, C replaced by A.
Protein change: p.Gln1429Lys; replaces glutamine 1429 with lysine.
Molecular consequence: missense variant.
Genome position (GRCh38, 1-based): chr2:29,193,802, G>T on the plus strand (C>A on the coding strand, the complement: ALK is on the minus strand). VCF-style: chr2-29193802-G-T. GRCh37 (hg19) VCF-style: chr2-29416668-G-T.
Other names: c.1081C>A, p.Gln361Lys (NM_001353765.2); short protein forms Q361K, Q1429K.
Identifiers: ClinVar variation 2961404 (VCV002961404.3), dbSNP rs2148138811, ClinGen allele CA346462800.
Genomic context (GRCh38, chr2:29,193,802, plus strand): 5'-AGGAGGTGGTAGGCAGAGGTGGTGGGGCAGCTGGGCTGCGCTCCTCCTCCCGTTTTGCCT[G>T]TTGAGAGACCAGGAGAGGAGGAACCCCCTCAGGGTCCTTGGGCCTCACAGGCACTTTCTC-3'
Protein context (NP_004295.2, residues 1419-1439): EGVPPLLVSQ[Gln1429Lys]AKREEERSPA